The following is an entry in ClinVar:

ClinVar aggregate classification (germline): Uncertain significance (1 of 4 stars; one submission).

Allele frequency attached by ClinVar (database versions not stated): TOPMed below 0.00001; gnomAD 0.00001; gnomAD exomes 0.00002; ExAC 0.00003.

Submission:

GeneDx
Classification: Uncertain significance. Last evaluated: 2022-02-03. Review status: criteria provided, single submitter. Criteria: GeneDx Variant Classification Process June 2021. Collection method: clinical testing. Allele origin: germline. Affected: yes.
Comment: In silico analysis supports that this missense variant has a deleterious effect on protein structure/function; Has not been previously published as pathogenic or benign to our knowledge

NM_000103.4(CYP19A1):c.916G>A (p.Ala306Thr)

Genes: CYP19A1 (cytochrome P450 family 19 subfamily A member 1; minus strand), MIR4713HG (MIR4713 host gene; plus strand), PIRC66 (piwi-interacting RNA cluster 66; plus strand). Cytogenetic location: 15q21.2.
Variant type: single nucleotide variant.
Coding change: c.916G>A on transcript NM_000103.4 (MANE Select); coding-DNA position 916, G replaced by A.
Protein change: p.Ala306Thr; replaces alanine 306 with threonine.
Molecular consequence: missense variant.
Genome position (GRCh38, 1-based): chr15:51,215,175, C>T on the plus strand (G>A on the coding strand, the complement: CYP19A1 is on the minus strand). VCF-style: chr15-51215175-C-T. GRCh37 (hg19) VCF-style: chr15-51507372-C-T.
Other names: c.916G>A, p.Ala306Thr (NM_001347248.1, NM_001347249.2, NM_001347250.2 and 7 more transcripts); short protein forms A306T.
Identifiers: ClinVar variation 1700861 (VCV001700861.2), dbSNP rs747006734, ClinGen allele CA7559905.